The following is an entry in ClinVar:

ClinVar aggregate classification (germline): Conflicting classifications of pathogenicity. Review status: criteria provided, conflicting classifications (1 of 4 stars). 3 submissions from 3 submitters: Uncertain significance (2); Likely benign (1). Last evaluated 2024-04-09.

Conditions:
Hereditary breast ovarian cancer syndrome. Also called: Breast and ovarian cancer; Hereditary breast and ovarian cancer; Hereditary breast and ovarian cancer syndrome; Hereditary breast and/or ovarian cancer syndrome; BRCA1- and BRCA2-Associated Hereditary Breast and Ovarian Cancer; Hereditary breast and ovarian cancer syndrome (HBOC). Identifiers: Orphanet 145, MedGen C0677776, MeSH D061325, MONDO:0003582. Disease mechanism: loss of function.
Breast-ovarian cancer, familial, susceptibility to, 1 (BROVCA1). Also called: BRCA1 Hereditary Breast and Ovarian Cancer; OVARIAN CANCER, SUSCEPTIBILITY TO. Identifiers: Orphanet 145, MedGen C2676676, MONDO:0011450, OMIM 604370. Disease mechanism: loss of function.
Hereditary cancer-predisposing syndrome. Also called: Tumor predisposition; Hereditary Cancer Syndrome; Neoplastic Syndromes, Hereditary; Hereditary neoplastic syndrome. Identifiers: Orphanet 140162, MedGen C0027672, MeSH D009386, MONDO:0015356.

Allele frequency attached by ClinVar (database versions not stated): gnomAD exomes below 0.00001.
gnomAD v4.1: 1 of 1,614,030 alleles (0.000062%); highest among the groups gnomAD compares: Non-Finnish European, 0.000085%; no homozygotes.

Submissions (3):

Labcorp Genetics (formerly Invitae), Labcorp
Classification: Uncertain significance for Hereditary breast ovarian cancer syndrome. Last evaluated: 2024-04-09. Review status: criteria provided, single submitter. Criteria: Invitae Variant Classification Sherloc (09022015). Collection method: clinical testing. Allele origin: germline.
Comment: This sequence change replaces cysteine, which is neutral and slightly polar, with tyrosine, which is neutral and polar, at codon 348 of the BRCA1 protein (p.Cys348Tyr). This variant is not present in population databases (gnomAD no frequency). This variant has not been reported in the literature in individuals affected with BRCA1-related conditions. ClinVar contains an entry for this variant (Variation ID: 225706). Advanced modeling of protein sequence and biophysical properties (such as structural, functional, and spatial information, amino acid conservation, physicochemical variation, residue mobility, and thermodynamic stability) performed at Invitae indicates that this missense variant is not expected to disrupt BRCA1 protein function with a negative predictive value of 95%. In summary, the available evidence is currently insufficient to determine the role of this variant in disease. Therefore, it has been classified as a Variant of Uncertain Significance.

University of Washington Department of Laboratory Medicine, University of Washington
Classification: Likely benign for Hereditary cancer-predisposing syndrome. Last evaluated: 2023-03-23. Review status: criteria provided, single submitter. Criteria: Dines et al. (Genet Med. 2020). Collection method: curation. Allele origin: germline.
Comment: Missense variant in a coldspot region where missense variants are very unlikely to be pathogenic (PMID:31911673).

BRCA1 coldspot (exon 11 using historical exon numbering). Reclassification based on statistical prior probability

Molecular Genetics Laboratory, University of Michigan
Classification: Uncertain significance for Breast-ovarian cancer, familial, susceptibility to, 1. Last evaluated: 2014-11-03. Review status: criteria provided, single submitter. Criteria: ACMG Guidelines, 2015. Collection method: clinical testing. Allele origin: germline. Affected: yes.

NM_007294.4(BRCA1):c.1043G>A (p.Cys348Tyr)

Gene: BRCA1 (BRCA1 DNA repair associated; minus strand). Cytogenetic location: 17q21.31.
Variant type: single nucleotide variant.
Coding change: c.1043G>A on transcript NM_007294.4 (MANE Select); coding-DNA position 1043, G replaced by A.
Protein change: p.Cys348Tyr; replaces cysteine 348 with tyrosine.
Molecular consequence: missense variant. On other transcripts: intron variant (137).
Genome position (GRCh38, 1-based): chr17:43,094,488, C>T on the plus strand (G>A on the coding strand, the complement: BRCA1 is on the minus strand). VCF-style: chr17-43094488-C-T. GRCh37 (hg19) VCF-style: chr17-41246505-C-T.
Other names: c.830G>A, p.Cys277Tyr (NM_001407571.1, NM_001407915.1, NM_001407916.1 and 9 more transcripts); c.1043G>A, p.Cys348Tyr (NM_001407581.1, NM_001407582.1, NM_001407583.1 and 30 more transcripts); c.1040G>A, p.Cys347Tyr (NM_001407587.1, NM_001407590.1, NM_001407591.1 and 22 more transcripts); c.965G>A, p.Cys322Tyr (NM_001407654.1, NM_001407655.1, NM_001407656.1 and 4 more transcripts); c.962G>A, p.Cys321Tyr (NM_001407659.1, NM_001407660.1, NM_001407661.1 and 1 more transcripts); c.917G>A, p.Cys306Tyr (NM_001407673.1, NM_001407649.1, NM_001407670.1 and 11 more transcripts); c.920G>A, p.Cys307Tyr (NM_001407674.1, NM_001407675.1, NM_001407676.1 and 19 more transcripts); c.902G>A, p.Cys301Tyr (NM_001407692.1, NM_001407694.1, NM_001407695.1 and 29 more transcripts); and 40 more; short protein forms C348Y, C301Y, C180Y, C260Y, C52Y, C277Y, C278Y, C281Y.
Identifiers: ClinVar variation 225706 (VCV000225706.7), dbSNP rs752198747, ClinGen allele CA10576088.